The following is an entry in ClinVar:

ClinVar aggregate classification (germline): Likely benign. Review status: criteria provided, multiple submitters, no conflicts (2 of 4 stars). 2 submissions from 2 submitters: Likely benign (2). Last evaluated 2025-01-13.

Conditions:
Long QT syndrome (LQTS). Identifiers: MedGen C0023976, MeSH D008133, MONDO:0002442. Disease mechanism: loss of function. Inheritance: Various modes of inheritance.

Allele frequency attached by ClinVar (database versions not stated): TOPMed below 0.00001; gnomAD 0.00001; gnomAD exomes 0.00002; ExAC 0.00005.
gnomAD v4.1: 30 of 1,471,730 alleles (0.002%); highest among the groups gnomAD compares: Non-Finnish European, 0.0029%; no homozygotes.

Submissions (2):

Labcorp Genetics (formerly Invitae), Labcorp
Classification: Likely benign for Long QT syndrome. Last evaluated: 2025-01-13. Review status: criteria provided, single submitter. Criteria: Invitae Variant Classification Sherloc (09022015). Collection method: clinical testing. Allele origin: germline.

GeneDx
Classification: Likely benign. Last evaluated: 2016-09-07. Review status: criteria provided, single submitter. Criteria: GeneDx Variant Classification (06012015). Collection method: clinical testing. Allele origin: germline. Affected: yes.
Comment: This variant is considered likely benign or benign based on one or more of the following criteria: it is a conservative change, it occurs at a poorly conserved position in the protein, it is predicted to be benign by multiple in silico algorithms, and/or has population frequency not consistent with disease.

NM_000719.7(CACNA1C):c.4232+16C>A

Gene: CACNA1C (calcium voltage-gated channel subunit alpha1 C; plus strand). Cytogenetic location: 12p13.33.
Variant type: single nucleotide variant.
Coding change: c.4232+16C>A on transcript NM_000719.7 (MANE Select); 16 bases into the intron after coding-DNA position 4232, C replaced by A.
Molecular consequence: intron variant.
Genome position (GRCh38, 1-based): chr12:2,655,254, C>A. VCF-style: chr12-2655254-C-A. GRCh37 (hg19) VCF-style: chr12-2764420-C-A.
Other names: c.4232+16C>A (NM_001167624.3, NM_001167623.2, NM_001129840.2 and 7 more transcripts); c.4199+16C>A (NM_001167625.2, NM_001129837.2, NM_001129838.2 and 1 more transcripts); c.4376+16C>A (NM_199460.4, NM_001129827.2); c.4292+16C>A (NM_001129832.2); c.4316+16C>A (NM_001129831.2); c.4298+16C>A (NM_001129829.2); c.4193+16C>A (NM_001129839.2); c.4283+16C>A (NM_001129836.2); and 1 more.
Identifiers: ClinVar variation 379042 (VCV000379042.4), dbSNP rs757493608, ClinGen allele CA6389510.